The following is an entry in ClinVar:

NM_005515.4(MNX1):c.114_117del (p.Ser39fs)

Gene: MNX1 (motor neuron and pancreas homeobox 1; minus strand). Cytogenetic location: 7q36.3.
Variant type: Deletion.
Coding change: c.114_117del on transcript NM_005515.4 (MANE Select); coding-DNA positions 114 to 117, 4 bases deleted (ATCT; older notation c.114_117delATCT).
Protein change: p.Ser39fs; shifts the reading frame from serine 39.
Molecular consequence: frameshift variant.
Genome position (GRCh38, 1-based): chr7:157,010,234-157,010,237, AGAT deleted on the plus strand (ATCT on the coding strand, the reverse complement: MNX1 is on the minus strand). VCF-style (leftmost placement, unchanged base first): chr7-157010233-CAGAT-C. GRCh37 (hg19) VCF-style: chr7-156802927-CAGAT-C.
Other names: short protein forms S39fs.
Identifiers: ClinVar variation 4890849 (VCV004890849.1).
Genomic context (GRCh38, chr7:157,010,233, plus strand): 5'-GGCTGCAGCTGCCGCTAGTCCCGCCGCTCGCCCCGCCGCCGCCGCCGCCACCTCCGGTGC[CAGAT>C]GCGGCGGCGGCGAGCGACGTGACCAAGGCCAGCGGCGCGCTCTGCGCAGAGGCGGCTCGT-3'

ClinVar aggregate classification (germline): Pathogenic (1 of 4 stars; one submission).

Conditions:
Fetal anomalies with a likely genetic cause.

Submission:

Genetics Laboratory, Great Ormond Street Hospital NHS Foundation Trust, North Thames Genomic Laboratory Hub
Classification: Pathogenic for Fetal anomalies with a likely genetic cause. Last evaluated: 2026-07-15. Review status: criteria provided, single submitter. Criteria: ACGS Best Practice Guidelines for Variant Classification in Rare Disease 2024 v1.2. Collection method: clinical testing. Allele origin: germline. Affected: yes.
Comment: PM2_moderate, PVS1_very-strong